The following is an entry in ClinVar:

ClinVar aggregate classification (germline): Benign/Likely benign. Review status: criteria provided, multiple submitters, no conflicts (2 of 4 stars). 8 submissions from 8 submitters: Benign (6); Likely benign (2). Last evaluated 2026-02-04.

Conditions:
Hermansky-Pudlak syndrome 2 (HPS2). Also called: Platelet defects and oculocutaneous albinism. Identifiers: Orphanet 183678, Orphanet 79430, MedGen C1842362, MONDO:0011997, OMIM 608233.
Autoinflammatory syndrome. Identifiers: Orphanet 93665, MedGen C3890737, MONDO:0019751.

Allele frequency attached by ClinVar (database versions not stated): 1000 Genomes Project 30x 0.03045; 1000 Genomes Project 0.03415; gnomAD 0.04646 and 0.04676; TOPMed 0.04788; ESP Exome Variant Server 0.04959; gnomAD exomes 0.05244 and 0.06511; ExAC 0.05428.
gnomAD v4.1: 101,848 of 1,612,396 alleles (6.3%); highest among the groups gnomAD compares: Non-Finnish European, 7.2%; 3,689 homozygotes.

Submissions (8):

Labcorp Genetics (formerly Invitae), Labcorp
Classification: Benign for Hermansky-Pudlak syndrome 2. Last evaluated: 2026-02-04. Review status: criteria provided, single submitter. Criteria: Invitae Variant Classification Sherloc (09022015). Collection method: clinical testing. Allele origin: germline.

Blueprint Genetics
Classification: Likely benign. Last evaluated: 2024-11-26. Review status: criteria provided, single submitter. Criteria: ACMG Guidelines, 2015. Collection method: clinical testing. Allele origin: germline.

Mayo Clinic Laboratories, Mayo Clinic
Classification: Benign. Last evaluated: 2022-09-29. Review status: criteria provided, single submitter. Criteria: ACMG Guidelines, 2015. Collection method: clinical testing. Allele origin: germline. Observed: 250 variant alleles.

GeneDx
Classification: Benign. Last evaluated: 2018-11-10. Review status: criteria provided, single submitter. Criteria: GeneDx Variant Classification Process June 2021. Collection method: clinical testing. Allele origin: germline. Affected: yes.

Genome Diagnostics Laboratory, The Hospital for Sick Children
Classification: Benign for Autoinflammatory syndrome. Last evaluated: 2016-12-12. Review status: criteria provided, single submitter. Criteria: ACMG Guidelines, 2015. Collection method: clinical testing. Allele origin: germline. Affected: yes.

Laboratory for Molecular Medicine, Mass General Brigham Personalized Medicine
Classification: Benign. Last evaluated: 2013-02-21. Review status: criteria provided, single submitter. Criteria: LMM Criteria. Collection method: clinical testing. Allele origin: germline. Observed: 6 variant alleles.
Comment: Leu561Leu in exon 16 of AP3B1: This variant is not expected to have clinical sig nificance because it does not alter an amino acid residue and is not located wit hin the splice consensus sequence. It has been identified in 6.8% (587/8600) of European American chromosomes from a broad population by the NHLBI Exome Sequenc ing Project (dbSNP rs17192146).

Breakthrough Genomics
Classification: Likely benign. Review status: criteria provided, single submitter. Criteria: ACMG Guidelines, 2015. Collection method: not provided. Allele origin: germline. Inheritance: Autosomal recessive inheritance. Affected: yes.

PreventionGenetics, part of Exact Sciences
Classification: Benign. Review status: criteria provided, single submitter. Criteria: ACMG Guidelines, 2015. Collection method: clinical testing. Allele origin: germline.

NM_003664.5(AP3B1):c.1683C>T (p.Leu561=)

Gene: AP3B1 (adaptor related protein complex 3 subunit beta 1; minus strand). Cytogenetic location: 5q14.1.
Variant type: single nucleotide variant.
Coding change: c.1683C>T on transcript NM_003664.5 (MANE Select); coding-DNA position 1683, C replaced by T.
Protein change: p.Leu561=; no amino-acid change (leucine 561 retained).
Molecular consequence: synonymous variant.
Genome position (GRCh38, 1-based): chr5:78,129,275, G>A on the plus strand (C>T on the coding strand, the complement: AP3B1 is on the minus strand). VCF-style: chr5-78129275-G-A. GRCh37 (hg19) VCF-style: chr5-77425099-G-A.
Other names: p.Leu561=; c.1536C>T, p.Leu512= (NM_001271769.2).
Identifiers: ClinVar variation 178703 (VCV000178703.25), dbSNP rs17192146, ClinGen allele CA182815.